The following is an entry in ClinVar:

NM_006005.3(WFS1):c.2168T>C (p.Leu723Pro)

Gene: WFS1 (wolframin ER transmembrane glycoprotein; plus strand). Cytogenetic location: 4p16.1.
Variant type: single nucleotide variant.
Coding change: c.2168T>C on transcript NM_006005.3 (MANE Select); coding-DNA position 2168, T replaced by C.
Protein change: p.Leu723Pro; replaces leucine 723 with proline.
Molecular consequence: missense variant.
Genome position (GRCh38, 1-based): chr4:6,301,963, T>C. VCF-style: chr4-6301963-T-C. GRCh37 (hg19) VCF-style: chr4-6303690-T-C.
Other names: c.2168T>C, p.Leu723Pro (NM_001145853.1); short protein forms L723P.
Identifiers: ClinVar variation 2203530 (VCV002203530.5), dbSNP rs2474196259, ClinGen allele CA356177968.

ClinVar aggregate classification (germline): Conflicting classifications of pathogenicity. Review status: criteria provided, conflicting classifications (1 of 4 stars). 2 submissions from 2 submitters: Pathogenic (1); Uncertain significance (1). Last evaluated 2024-12-16.

Submissions (2):

Labcorp Genetics (formerly Invitae), Labcorp
Classification: Pathogenic. Last evaluated: 2024-12-16. Review status: criteria provided, single submitter. Criteria: Invitae Variant Classification Sherloc (09022015). Collection method: clinical testing. Allele origin: germline.
Comment: This sequence change replaces leucine, which is neutral and non-polar, with proline, which is neutral and non-polar, at codon 723 of the WFS1 protein (p.Leu723Pro). This variant is not present in population databases (gnomAD no frequency). This missense change has been observed in individual(s) with autosomal recessive Wolfram syndrome (PMID: 36098976). This variant has been reported in individual(s) with autosomal dominant Wolfram-like syndrome (PMID: 21446023); however, the role of the variant in this condition is currently unclear. ClinVar contains an entry for this variant (Variation ID: 2203530). Invitae Evidence Modeling of protein sequence and biophysical properties (such as structural, functional, and spatial information, amino acid conservation, physicochemical variation, residue mobility, and thermodynamic stability) indicates that this missense variant is expected to disrupt WFS1 protein function with a positive predictive value of 95%. For these reasons, this variant has been classified as Pathogenic.

Blueprint Genetics
Classification: Uncertain significance. Last evaluated: 2018-10-15. Review status: criteria provided, single submitter. Criteria: ACMG Guidelines, 2015. Collection method: clinical testing. Allele origin: germline.

Literature cited by the submitters: PubMed 36098976 (cited by Labcorp Genetics (formerly Invitae), Labcorp); PubMed 21446023 (cited by Labcorp Genetics (formerly Invitae), Labcorp).